The following is an entry in ClinVar:

NM_004443.4(EPHB3):c.2829G>A (p.Lys943=)

Gene: EPHB3 (EPH receptor B3; plus strand). Cytogenetic location: 3q27.1.
Variant type: single nucleotide variant.
Coding change: c.2829G>A on transcript NM_004443.4 (MANE Select); coding-DNA position 2829, G replaced by A.
Protein change: p.Lys943=; no amino-acid change (lysine 943 retained).
Molecular consequence: synonymous variant.
Genome position (GRCh38, 1-based): chr3:184,581,349, G>A. VCF-style: chr3-184581349-G-A. GRCh37 (hg19) VCF-style: chr3-184299137-G-A.
Identifiers: ClinVar variation 2654327 (VCV002654327.24), dbSNP rs372198999, ClinGen allele CA2736946.
Genomic context (GRCh38, chr3:184,581,349, plus strand): 5'-TTACACAACCTTCACGACAGTTGGTGATTGGCTGGATGCCATCAAGATGGGGCGGTACAA[G>A]GAGAGCTTCGTCAGTGCGGGGTTTGCATCTTTTGACCTGGTGGCCCAGATGACGGCAGAG-3'
Protein context (NP_004434.2, residues 933-953): WLDAIKMGRY[Lys943=]ESFVSAGFAS

ClinVar aggregate classification (germline): Likely benign (1 of 4 stars; one submission).

Allele frequency attached by ClinVar (database versions not stated): ESP Exome Variant Server 0.00015; 1000 Genomes Project 30x 0.00016; 1000 Genomes Project 0.00020; gnomAD exomes 0.00025; gnomAD 0.00037; TOPMed 0.00037; ExAC 0.00039.
gnomAD v4.1: 429 of 1,609,734 alleles (0.027%); highest among the groups gnomAD compares: Middle Eastern, 0.3%; 1 homozygote.

Submission:

CeGaT Center for Human Genetics Tuebingen
Classification: Likely benign. Last evaluated: 2022-09-01. Review status: criteria provided, single submitter. Criteria: CeGaT Center For Human Genetics Tuebingen Variant Classification Criteria Version 2. Collection method: clinical testing. Allele origin: germline. Affected: yes. Observed: 1 variant allele.
Comment: EPHB3: BP4, BP7